The following is an entry in ClinVar:

NM_022835.3(PLEKHG2):c.313C>T (p.Arg105Cys)

Gene: PLEKHG2 (pleckstrin homology and RhoGEF domain containing G2; plus strand). Cytogenetic location: 19q13.2.
Variant type: single nucleotide variant.
Coding change: c.313C>T on transcript NM_022835.3 (MANE Select); coding-DNA position 313, C replaced by T.
Protein change: p.Arg105Cys; replaces arginine 105 with cysteine.
Molecular consequence: missense variant.
Genome position (GRCh38, 1-based): chr19:39,415,195, C>T. VCF-style: chr19-39415195-C-T. GRCh37 (hg19) VCF-style: chr19-39905835-C-T.
Other names: c.136C>T, p.Arg46Cys (NM_001351693.2); c.313C>T, p.Arg105Cys (NM_001351694.2); short protein forms R105C, R46C.
Identifiers: ClinVar variation 1940623 (VCV001940623.5), dbSNP rs151068319, ClinGen allele CA9429018.

ClinVar aggregate classification (germline): Uncertain significance (1 of 4 stars; one submission).

Allele frequency attached by ClinVar (database versions not stated): gnomAD 0.00001; TOPMed 0.00001; ExAC 0.00002; ESP Exome Variant Server 0.00015.
gnomAD v4.1: 11 of 1,587,456 alleles (0.00069%); highest among the groups gnomAD compares: South Asian, 0.0057%; 1 homozygote.

Submission:

Labcorp Genetics (formerly Invitae), Labcorp
Classification: Uncertain significance. Last evaluated: 2022-04-07. Review status: criteria provided, single submitter. Criteria: Invitae Variant Classification Sherloc (09022015). Collection method: clinical testing. Allele origin: germline.
Comment: In summary, the available evidence is currently insufficient to determine the role of this variant in disease. Therefore, it has been classified as a Variant of Uncertain Significance. Algorithms developed to predict the effect of missense changes on protein structure and function (SIFT, PolyPhen-2, Align-GVGD) all suggest that this variant is likely to be disruptive. This variant has not been reported in the literature in individuals affected with PLEKHG2-related conditions. The frequency data for this variant in the population databases is considered unreliable, as metrics indicate poor data quality at this position in the gnomAD database. This sequence change replaces arginine, which is basic and polar, with cysteine, which is neutral and slightly polar, at codon 105 of the PLEKHG2 protein (p.Arg105Cys).